The following is an entry in ClinVar:

ClinVar aggregate classification (germline): Likely benign (1 of 4 stars; one submission).

Allele frequency attached by ClinVar (database versions not stated): ExAC 0.00311; gnomAD exomes 0.00025; 1000 Genomes Project 30x 0.00281.

Submission:

CeGaT Center for Human Genetics Tuebingen
Classification: Likely benign. Last evaluated: 2023-02-01. Review status: criteria provided, single submitter. Criteria: CeGaT Center For Human Genetics Tuebingen Variant Classification Criteria Version 2. Collection method: clinical testing. Allele origin: germline. Affected: yes. Observed: 1 variant allele.
Comment: CLEC4M: BP4, BS2

NM_014257.5(CLEC4M):c.698A>G (p.Gln233Arg)

Gene: CLEC4M (C-type lectin domain family 4 member M; plus strand). Cytogenetic location: 19p13.2.
Variant type: single nucleotide variant.
Coding change: c.698A>G on transcript NM_014257.5 (MANE Select); coding-DNA position 698, A replaced by G.
Protein change: p.Gln233Arg; replaces glutamine 233 with arginine.
Molecular consequence: missense variant. On other transcripts: non-coding transcript variant (2).
Genome position (GRCh38, 1-based): chr19:7,766,121, A>G. VCF-style: chr19-7766121-A-G. GRCh37 (hg19) VCF-style: chr19-7831007-A-G.
Other names: c.614A>G, p.Gln205Arg (NM_001144911.2, NM_001416369.1); c.530A>G, p.Gln177Arg (NM_001416370.1); c.698A>G, p.Gln233Arg (NM_214677.1, NM_214678.1); c.635A>G, p.Gln212Arg (NM_214679.1); short protein forms Q177R, Q205R, Q212R, Q233R.
Identifiers: ClinVar variation 2649180 (VCV002649180.24), dbSNP rs144783051, ClinGen allele CA9146427.